The following is an entry in ClinVar:

NM_005273.4(GNB2):c.92C>G (p.Thr31Ser)

Gene: GNB2 (G protein subunit beta 2; plus strand). Cytogenetic location: 7q22.1.
Variant type: single nucleotide variant.
Coding change: c.92C>G on transcript NM_005273.4 (MANE Select); coding-DNA position 92, C replaced by G.
Protein change: p.Thr31Ser; replaces threonine 31 with serine.
Molecular consequence: missense variant.
Genome position (GRCh38, 1-based): chr7:100,676,569, C>G. VCF-style: chr7-100676569-C-G. GRCh37 (hg19) VCF-style: chr7-100274192-C-G.
Other names: short protein forms T31S.
Identifiers: ClinVar variation 2673116 (VCV002673116.23), dbSNP rs1324648019, ClinGen allele CA368513486.
Genomic context (GRCh38, chr7:100,676,569, plus strand): 5'-CTCTCTGGCTCTGCCATCCCTTACAGGATGCCCGAAAAGCATGTGGGGACTCAACACTGA[C>G]CCAGGTGAGGGCACTTGGTGGCCAGAGCGTAACTAGGGGTTGAAGGGGCAAGGATCAGAG-3'
Protein context (NP_005264.2, residues 21-41): ARKACGDSTL[Thr31Ser]QITAGLDPVG

ClinVar aggregate classification (germline): Uncertain significance (1 of 4 stars; one submission).

gnomAD v4.1: 1 of 1,610,160 alleles (0.000062%); highest among the groups gnomAD compares: East Asian, 0.0022%; no homozygotes.

Submission:

CeGaT Center for Human Genetics Tuebingen
Classification: Uncertain significance. Last evaluated: 2023-11-01. Review status: criteria provided, single submitter. Criteria: CeGaT Center For Human Genetics Tuebingen Variant Classification Criteria Version 2. Collection method: clinical testing. Allele origin: germline. Affected: yes. Observed: 1 variant allele.
Comment: GNB2: PM2, PP2, BP4